The following is an entry in ClinVar:

NM_001270508.2(TNFAIP3):c.1711G>C (p.Val571Leu)

Gene: TNFAIP3 (TNF alpha induced protein 3; plus strand). Cytogenetic location: 6q23.3.
Variant type: single nucleotide variant.
Coding change: c.1711G>C on transcript NM_001270508.2 (MANE Select); coding-DNA position 1711, G replaced by C.
Protein change: p.Val571Leu; replaces valine 571 with leucine.
Molecular consequence: missense variant.
Genome position (GRCh38, 1-based): chr6:137,879,156, G>C. VCF-style: chr6-137879156-G-C. GRCh37 (hg19) VCF-style: chr6-138200293-G-C.
Other names: c.1711G>C, p.Val571Leu (NM_001270507.2, NM_006290.4); short protein forms V571L.
Identifiers: ClinVar variation 1049698 (VCV001049698.2), dbSNP rs748312513, ClinGen allele CA4019686.

ClinVar aggregate classification (germline): Uncertain significance. Review status: criteria provided, single submitter (1 of 4 stars). 2 submissions from 2 submitters: Uncertain significance (1). 1 of the submissions does not count toward it. Last evaluated 2025-03-20.

Allele frequency attached by ClinVar (database versions not stated): ExAC 0.00002.
gnomAD v4.1: 8 of 1,613,878 alleles (0.0005%); highest among the groups gnomAD compares: South Asian, 0.0077%; no homozygotes.

Submissions (2):

Labcorp Genetics (formerly Invitae), Labcorp
Classification: Uncertain significance. Last evaluated: 2025-03-20. Review status: criteria provided, single submitter. Criteria: Invitae Variant Classification Sherloc (09022015). Collection method: clinical testing. Allele origin: germline.
Comment: This sequence change replaces valine, which is neutral and non-polar, with leucine, which is neutral and non-polar, at codon 571 of the TNFAIP3 protein (p.Val571Leu). This variant is present in population databases (rs748312513, gnomAD 0.01%). This variant has not been reported in the literature in individuals affected with TNFAIP3-related conditions. ClinVar contains an entry for this variant (Variation ID: 1049698). Invitae Evidence Modeling of protein sequence and biophysical properties (such as structural, functional, and spatial information, amino acid conservation, physicochemical variation, residue mobility, and thermodynamic stability) indicates that this missense variant is not expected to disrupt TNFAIP3 protein function with a negative predictive value of 80%. In summary, the available evidence is currently insufficient to determine the role of this variant in disease. Therefore, it has been classified as a Variant of Uncertain Significance.

Department of Pathology and Laboratory Medicine, Sinai Health System
Classification: Uncertain significance. Review status: no assertion criteria provided. Collection method: clinical testing. Allele origin: unknown. Affected: yes. Study: The Canadian Open Genetics Repository (COGR). Not counted in ClinVar's aggregate classification.
Comment: The TNFAIP3 p.Val571Leu variant was not identified in the literature nor was it identified in the ClinVar, Cosmic, MutDB or LOVD 3.0 databases. The variant was identified in dbSNP (ID: rs748312513) and in control databases in 4 of 245876 chromosomes at a frequency of 0.000016 (Genome Aggregation Database Feb 27, 2017). The variant was observed in the following populations: South Asian in 3 of 30780 chromosomes (freq: 0.000097) and European (Non-Finnish) in 1 of 111494 chromosomes (freq: 0.000009); it was not observed in the African, Ashkenazi Jewish, East Asian, European (Finnish), Latino and other populations. The p.Val571 residue is not conserved in mammals and computational analyses (PolyPhen-2, SIFT, AlignGVGD, BLOSUM, MutationTaster) do not suggest a high likelihood of impact to the protein; however, this information is not predictive enough to rule out pathogenicity. In summary, based on the above information the clinical significance of this variant cannot be determined with certainty at this time. This variant is classified as a variant of uncertain significance.